The following is an entry in ClinVar:

NM_004304.5(ALK):c.4274T>A (p.Leu1425Gln)

Gene: ALK (ALK receptor tyrosine kinase; minus strand). Cytogenetic location: 2p23.2.
Variant type: single nucleotide variant.
Coding change: c.4274T>A on transcript NM_004304.5 (MANE Select); coding-DNA position 4274, T replaced by A.
Protein change: p.Leu1425Gln; replaces leucine 1425 with glutamine.
Molecular consequence: missense variant.
Genome position (GRCh38, 1-based): chr2:29,193,813, A>T on the plus strand (T>A on the coding strand, the complement: ALK is on the minus strand). VCF-style: chr2-29193813-A-T. GRCh37 (hg19) VCF-style: chr2-29416679-A-T.
Other names: c.1070T>A, p.Leu357Gln (NM_001353765.2); short protein forms L1425Q, L357Q.
Identifiers: ClinVar variation 4824827 (VCV004824827.1).
Genomic context (GRCh38, chr2:29,193,813, plus strand): 5'-GGCAGAGGTGGTGGGGCAGCTGGGCTGCGCTCCTCCTCCCGTTTTGCCTGTTGAGAGACC[A>T]GGAGAGGAGGAACCCCCTCAGGGTCCTTGGGCCTCACAGGCACTTTCTCTTCCTCTTCCA-3'
Protein context (NP_004295.2, residues 1415-1435): PKDPEGVPPL[Leu1425Gln]VSQQAKREEE

ClinVar aggregate classification (germline): Uncertain significance (1 of 4 stars; one submission).

Conditions:
Hereditary cancer-predisposing syndrome. Also called: Neoplastic Syndromes, Hereditary; Hereditary neoplastic syndrome; Tumor predisposition; Hereditary Cancer Syndrome. Identifiers: Orphanet 140162, MedGen C0027672, MeSH D009386, MONDO:0015356.

Submission:

Ambry Genetics
Classification: Uncertain significance for Hereditary cancer-predisposing syndrome. Last evaluated: 2026-02-16. Review status: criteria provided, single submitter. Criteria: Ambry Variant Classification Scheme 2023. Collection method: clinical testing. Allele origin: germline.
Comment: The p.L1425Q variant (also known as c.4274T>A), located in coding exon 29 of the ALK gene, results from a T to A substitution at nucleotide position 4274. The leucine at codon 1425 is replaced by glutamine, an amino acid with dissimilar properties. This amino acid position is conserved. In addition, the in silico prediction for this alteration is inconclusive. Based on the available evidence, the clinical significance of this variant remains unclear.